The following is an entry in ClinVar:

NM_000264.5(PTCH1):c.3556C>T (p.Pro1186Ser)

Gene: PTCH1 (patched 1; minus strand). Cytogenetic location: 9q22.32.
Variant type: single nucleotide variant.
Coding change: c.3556C>T on transcript NM_000264.5 (MANE Select); coding-DNA position 3556, C replaced by T.
Protein change: p.Pro1186Ser; replaces proline 1186 with serine.
Molecular consequence: missense variant. On other transcripts: non-coding transcript variant (1).
Genome position (GRCh38, 1-based): chr9:95,449,317, G>A on the plus strand (C>T on the coding strand, the complement: PTCH1 is on the minus strand). VCF-style: chr9-95449317-G-A. GRCh37 (hg19) VCF-style: chr9-98211599-G-A.
Other names: c.3358C>T, p.Pro1120Ser (NM_001083602.3); c.3553C>T, p.Pro1185Ser (NM_001083603.3); c.3103C>T, p.Pro1035Ser (NM_001083604.3, NM_001083605.3, NM_001083606.3 and 1 more transcripts); c.3400C>T, p.Pro1134Ser (NM_001354918.2); short protein forms P1120S, P1186S, P1035S, P1185S, P1134S.
Identifiers: ClinVar variation 1986079 (VCV001986079.4), dbSNP rs886300092, ClinGen allele CA374111405.
Genomic context (GRCh38, chr9:95,449,317, plus strand): 5'-GGACCACGCTGGGGGGTGGCTCAGGGGAGGGTGTGGGCAGGCGGTTCAAGCCGTTGGCTG[G>A]AGACACCTATTTAAGGGGATTCCATGTTAAAAGTGTTCTTGTCCATTTACCTGCTGGCCA-3'
Protein context (NP_000255.2, residues 1176-1196): SFFGPYPEVS[Pro1186Ser]ANGLNRLPTP

ClinVar aggregate classification (germline): Uncertain significance (1 of 4 stars; one submission).

Conditions:
Gorlin syndrome. Also called: Basal cell nevus syndrome; Nevoid Basal Cell Carcinoma Syndrome. Identifiers: Orphanet 377, MedGen C0004779, MONDO:0007187.

Allele frequency attached by ClinVar (database versions not stated): gnomAD exomes below 0.00001.
gnomAD v4.1: 1 of 1,550,088 alleles (0.000065%); highest among the groups gnomAD compares: Non-Finnish European, 0.000087%; no homozygotes.

Submission:

Labcorp Genetics (formerly Invitae), Labcorp
Classification: Uncertain significance for Gorlin syndrome. Last evaluated: 2022-05-13. Review status: criteria provided, single submitter. Criteria: Invitae Variant Classification Sherloc (09022015). Collection method: clinical testing. Allele origin: germline.
Comment: In summary, the available evidence is currently insufficient to determine the role of this variant in disease. Therefore, it has been classified as a Variant of Uncertain Significance. Advanced modeling of protein sequence and biophysical properties (such as structural, functional, and spatial information, amino acid conservation, physicochemical variation, residue mobility, and thermodynamic stability) performed at Invitae indicates that this missense variant is not expected to disrupt PTCH1 protein function. This variant has not been reported in the literature in individuals affected with PTCH1-related conditions. This variant is not present in population databases (gnomAD no frequency). This sequence change replaces proline, which is neutral and non-polar, with serine, which is neutral and polar, at codon 1186 of the PTCH1 protein (p.Pro1186Ser).